The following is an entry in ClinVar:

NM_006254.4(PRKCD):c.1041C>A (p.Asn347Lys)

Gene: PRKCD (protein kinase C delta; plus strand). Cytogenetic location: 3p21.1.
Variant type: single nucleotide variant.
Coding change: c.1041C>A on transcript NM_006254.4 (MANE Select); coding-DNA position 1041, C replaced by A.
Protein change: p.Asn347Lys; replaces asparagine 347 with lysine.
Molecular consequence: missense variant.
Genome position (GRCh38, 1-based): chr3:53,185,982, C>A. VCF-style: chr3-53185982-C-A. GRCh37 (hg19) VCF-style: chr3-53219998-C-A.
Other names: c.1041C>A, p.Asn347Lys (NM_001316327.2, NM_001354679.2, NM_001354680.2 and 1 more transcripts); c.1098C>A, p.Asn366Lys (NM_001354676.2); c.1089C>A, p.Asn363Lys (NM_001354678.2); c.1041C>A (NM_006254.3); short protein forms N363K, N347K, N366K.
Identifiers: ClinVar variation 2133860 (VCV002133860.5), dbSNP rs1553668947, ClinGen allele CA353221277.

ClinVar aggregate classification (germline): Uncertain significance. Review status: criteria provided, multiple submitters, no conflicts (2 of 4 stars). 2 submissions from 2 submitters: Uncertain significance (2). Last evaluated 2024-02-05.

Conditions:
Inborn genetic diseases. Identifiers: MedGen C0950123, MeSH D030342.
Autoimmune lymphoproliferative syndrome, type III caused by mutation in PRKCD. Identifiers: Orphanet 3261, Orphanet 664711, MedGen C3809928, MONDO:8000024, OMIM 615559.

Allele frequency attached by ClinVar (database versions not stated): gnomAD 0.00001; TOPMed 0.00001.
gnomAD v4.1: 5 of 1,614,134 alleles (0.00031%); highest among the groups gnomAD compares: African/African-American, 0.0013%; no homozygotes.

Submissions (2):

Ambry Genetics
Classification: Uncertain significance for Inborn genetic diseases. Last evaluated: 2024-02-05. Review status: criteria provided, single submitter. Criteria: Ambry Variant Classification Scheme 2023. Collection method: clinical testing. Allele origin: germline.

Labcorp Genetics (formerly Invitae), Labcorp
Classification: Uncertain significance for Autoimmune lymphoproliferative syndrome, type III caused by mutation in PRKCD. Last evaluated: 2022-08-19. Review status: criteria provided, single submitter. Criteria: Invitae Variant Classification Sherloc (09022015). Collection method: clinical testing. Allele origin: germline.
Comment: In summary, the available evidence is currently insufficient to determine the role of this variant in disease. Therefore, it has been classified as a Variant of Uncertain Significance. Algorithms developed to predict the effect of missense changes on protein structure and function are either unavailable or do not agree on the potential impact of this missense change (SIFT: "Deleterious"; PolyPhen-2: "Benign"; Align-GVGD: "Class C0"). This variant has not been reported in the literature in individuals affected with PRKCD-related conditions. This variant is present in population databases (no rsID available, gnomAD 0.01%). This sequence change replaces asparagine, which is neutral and polar, with lysine, which is basic and polar, at codon 347 of the PRKCD protein (p.Asn347Lys).